The following is an entry in ClinVar:

ClinVar aggregate classification (germline): Benign/Likely benign. Review status: criteria provided, multiple submitters, no conflicts (2 of 4 stars). 3 submissions from 3 submitters: Benign (1); Likely benign (2). Last evaluated 2024-11-01.

Conditions:
Hereditary cancer-predisposing syndrome. Also called: Tumor predisposition; Hereditary Cancer Syndrome; Neoplastic Syndromes, Hereditary; Hereditary neoplastic syndrome. Identifiers: Orphanet 140162, MedGen C0027672, MeSH D009386, MONDO:0015356.
Multiple endocrine neoplasia, type 1 (MEN1). Also called: MEA I; WERMER SYNDROME; Endocrine adenomatosis multiple; MEN 1; MEN I. Identifiers: Orphanet 652, MedGen C0025267, MeSH D018761, MONDO:0007540, OMIM 131100.

Submissions (3):

Myriad Genetics, Inc.
Classification: Benign for Multiple endocrine neoplasia, type 1. Last evaluated: 2024-11-01. Review status: criteria provided, single submitter. Criteria: Myriad Autosomal Dominant, Autosomal Recessive and X-Linked Classification Criteria (2023). Collection method: clinical testing. Allele origin: unknown.
Comment: This variant is considered benign. This variant is a silent/synonymous amino acid change and it is not expected to impact splicing.

Ambry Genetics
Classification: Likely benign for Hereditary cancer-predisposing syndrome. Last evaluated: 2024-04-09. Review status: criteria provided, single submitter. Criteria: Ambry Variant Classification Scheme 2023. Collection method: clinical testing. Allele origin: germline.

Labcorp Genetics (formerly Invitae), Labcorp
Classification: Likely benign for Multiple endocrine neoplasia, type 1. Last evaluated: 2022-12-24. Review status: criteria provided, single submitter. Criteria: Invitae Variant Classification Sherloc (09022015). Collection method: clinical testing. Allele origin: germline.

NM_001370259.2(MEN1):c.588C>T (p.Val196=)

Gene: MEN1 (menin 1; minus strand). Cytogenetic location: 11q13.1.
Variant type: single nucleotide variant.
Coding change: c.588C>T on transcript NM_001370259.2 (MANE Select); coding-DNA position 588, C replaced by T.
Protein change: p.Val196=; no amino-acid change (valine 196 retained).
Molecular consequence: synonymous variant. On other transcripts: intron variant (2).
Genome position (GRCh38, 1-based): chr11:64,807,957, G>A on the plus strand (C>T on the coding strand, the complement: MEN1 is on the minus strand). VCF-style: chr11-64807957-G-A. GRCh37 (hg19) VCF-style: chr11-64575429-G-A.
Other names: c.588C>T, p.Val196= (NM_001370260.2, NM_001370261.2, NM_130799.3 and 1 more transcripts); c.603C>T, p.Val201= (NM_130800.3, NM_130801.3, NM_000244.4 and 3 more transcripts); c.549+39C>T (NM_001370263.2, NM_001370262.2).
Identifiers: ClinVar variation 756278 (VCV000756278.11), dbSNP rs1592650906, ClinGen allele CA475162905.